The following is an entry in ClinVar:

ClinVar aggregate classification (germline): Likely benign. Review status: criteria provided, multiple submitters, no conflicts (2 of 4 stars). 3 submissions from 3 submitters: Likely benign (3). Last evaluated 2025-08-15.

Conditions:
DNM2-related disorder. Also called: DNM2-related condition.
Charcot-Marie-Tooth disease dominant intermediate B (CMTDIB). Also called: CHARCOT-MARIE-TOOTH NEUROPATHY, DOMINANT INTERMEDIATE B; Charcot-Marie-Tooth disease dominant intermediate 1; CMT DI1; Charcot-Marie-Tooth disease dominant intermediate I. Identifiers: Orphanet 100044, Orphanet 228179, MedGen C1847902, MONDO:0011674, OMIM 606482.

Allele frequency attached by ClinVar (database versions not stated): gnomAD exomes 0.00001; ExAC 0.00002; TOPMed 0.00002; ESP Exome Variant Server 0.00008.
gnomAD v4.1: 4 of 1,613,958 alleles (0.00025%); highest among the groups gnomAD compares: Admixed American, 0.0017%; no homozygotes.

Submissions (3):

PreventionGenetics, part of Exact Sciences
Classification: Likely benign for DNM2-related condition. Last evaluated: 2025-08-15. Review status: criteria provided, single submitter. Criteria: ACMG Guidelines, 2015. Collection method: clinical testing. Allele origin: germline.
Comment: This variant is classified as likely benign based on ACMG/AMP sequence variant interpretation guidelines (Richards et al. 2015 PMID: 25741868, with internal and published modifications).

Labcorp Genetics (formerly Invitae), Labcorp
Classification: Likely benign for Charcot-Marie-Tooth disease dominant intermediate B. Last evaluated: 2022-09-19. Review status: criteria provided, single submitter. Criteria: Invitae Variant Classification Sherloc (09022015). Collection method: clinical testing. Allele origin: germline.

GeneDx
Classification: Likely benign. Last evaluated: 2017-10-11. Review status: criteria provided, single submitter. Criteria: GeneDx Variant Classification (06012015). Collection method: clinical testing. Allele origin: germline. Affected: yes.
Comment: This variant is considered likely benign or benign based on one or more of the following criteria: it is a conservative change, it occurs at a poorly conserved position in the protein, it is predicted to be benign by multiple in silico algorithms, and/or has population frequency not consistent with disease.

NM_001005361.3(DNM2):c.1894-9C>T

Gene: DNM2 (dynamin 2; plus strand). Cytogenetic location: 19p13.2.
Variant type: single nucleotide variant.
Coding change: c.1894-9C>T on transcript NM_001005361.3 (MANE Select); 9 bases into the intron before coding-DNA position 1894, C replaced by T.
Molecular consequence: intron variant.
Genome position (GRCh38, 1-based): chr19:10,825,048, C>T. VCF-style: chr19-10825048-C-T. GRCh37 (hg19) VCF-style: chr19-10935724-C-T.
Other names: c.1894-9C>T (NM_001005360.3, NM_001190716.2); c.1882-9C>T (NM_004945.4, NM_001005362.3).
Identifiers: ClinVar variation 512310 (VCV000512310.10), dbSNP rs377410182, ClinGen allele CA9201445.